The following is an entry in ClinVar:

ClinVar aggregate classification (germline): Likely pathogenic (1 of 4 stars; one submission).

Conditions:
ANKRD11-related disorder. Also called: ANKRD11-related condition.

Submission:

PreventionGenetics, part of Exact Sciences
Classification: Likely pathogenic for ANKRD11-related condition. Last evaluated: 2025-07-10. Review status: criteria provided, single submitter. Criteria: ACMG Guidelines, 2015. Collection method: clinical testing. Allele origin: germline.
Comment: The ANKRD11 c.1620_1621dupCC variant is predicted to result in a frameshift and premature protein termination (p.Gln541Profs*34). To our knowledge, this variant has not been reported in the literature or in a large population database (gnomAD), indicating this variant is rare. Frameshift variants in ANKRD11 are expected to be pathogenic. This variant is interpreted as likely pathogenic.

NM_013275.6(ANKRD11):c.1620_1621dup (p.Gln541fs)

Gene: ANKRD11 (ankyrin repeat domain 11; minus strand). Cytogenetic location: 16q24.3.
Variant type: Duplication.
Coding change: c.1620_1621dup on transcript NM_013275.6 (MANE Select); coding-DNA positions 1620 to 1621, 2 bases duplicated (CC; older notation c.1620_1621dupCC).
Protein change: p.Gln541fs; shifts the reading frame from glutamine 541.
Molecular consequence: frameshift variant.
Genome position (GRCh38, 1-based): chr16:89,284,921-89,284,922, GG duplicated on the plus strand (CC on the coding strand, the reverse complement: ANKRD11 is on the minus strand). VCF-style (leftmost placement, unchanged base first): chr16-89284920-T-TGG. GRCh37 (hg19) VCF-style: chr16-89351328-T-TGG.
Other names: c.1620_1621dup, p.Gln541fs (NM_001256182.2, NM_001256183.2); short protein forms Q541fs.
Identifiers: ClinVar variation 4997631 (VCV004997631.1).